The following is an entry in ClinVar:

ClinVar aggregate classification (germline): Likely benign (1 of 4 stars; one submission).

Allele frequency attached by ClinVar (database versions not stated): TOPMed below 0.00001.

Submission:

CeGaT Center for Human Genetics Tuebingen
Classification: Likely benign. Last evaluated: 2023-08-01. Review status: criteria provided, single submitter. Criteria: CeGaT Center For Human Genetics Tuebingen Variant Classification Criteria Version 2. Collection method: clinical testing. Allele origin: germline. Affected: yes. Observed: 1 variant allele.
Comment: CACNA1G: PM2:Supporting, BP4, BP7

NM_018896.5(CACNA1G):c.7107C>T (p.Ser2369=)

Gene: CACNA1G (calcium voltage-gated channel subunit alpha1 G; plus strand). Cytogenetic location: 17q21.33.
Variant type: single nucleotide variant.
Coding change: c.7107C>T on transcript NM_018896.5 (MANE Select); coding-DNA position 7107, C replaced by T.
Protein change: p.Ser2369=; no amino-acid change (serine 2369 retained).
Molecular consequence: synonymous variant. On other transcripts: non-coding transcript variant (5).
Genome position (GRCh38, 1-based): chr17:50,626,724, C>T. VCF-style: chr17-50626724-C-T. GRCh37 (hg19) VCF-style: chr17-48704085-C-T.
Other names: c.7074C>T, p.Ser2358= (NM_198377.3); c.6795C>T, p.Ser2265= (NM_198378.3); c.6870C>T, p.Ser2290= (NM_198379.3); c.6939C>T, p.Ser2313= (NM_198380.3); c.6759C>T, p.Ser2253= (NM_198382.3); c.6894C>T, p.Ser2298= (NM_198383.3); c.6828C>T, p.Ser2276= (NM_198384.3); c.6972C>T, p.Ser2324= (NM_198385.3); and 18 more.
Identifiers: ClinVar variation 2647938 (VCV002647938.24), dbSNP rs1233569916, ClinGen allele CA501000007.